The following is an entry in ClinVar:

ClinVar aggregate classification (germline): Pathogenic/Likely pathogenic. Review status: criteria provided, multiple submitters, no conflicts (2 of 4 stars). 2 submissions from 2 submitters: Pathogenic (1); Likely pathogenic (1). Last evaluated 2024-02-09.

Conditions:
Diabetes mellitus, permanent neonatal 2. Also called: KCNJ11-Related Permanent Neonatal Diabetes Mellitus. Identifiers: MedGen C5394296, MONDO:0030087, OMIM 618856.

Submissions (2):

Labcorp Genetics (formerly Invitae), Labcorp
Classification: Pathogenic. Last evaluated: 2024-02-09. Review status: criteria provided, single submitter. Criteria: Invitae Variant Classification Sherloc (09022015). Collection method: clinical testing. Allele origin: germline.
Comment: This sequence change creates a premature translational stop signal (p.Arg54Profs*46) in the KCNJ11 gene. While this is not anticipated to result in nonsense mediated decay, it is expected to disrupt the last 337 amino acid(s) of the KCNJ11 protein. This variant is not present in population databases (gnomAD no frequency). This variant has not been reported in the literature in individuals affected with KCNJ11-related conditions. ClinVar contains an entry for this variant (Variation ID: 2626936). Experimental studies and prediction algorithms are not available or were not evaluated, and the functional significance of this variant is currently unknown. This variant disrupts a region of the KCNJ11 protein in which other variant(s) (p.Arg301His) have been determined to be pathogenic (PMID: 14715863, 15562009, 23275527, 23345197). This suggests that this is a clinically significant region of the protein, and that variants that disrupt it are likely to be disease-causing. For these reasons, this variant has been classified as Pathogenic.

Greenwood Genetic Center Diagnostic Laboratories, Greenwood Genetic Center
Classification: Likely pathogenic for Diabetes mellitus, permanent neonatal 2. Last evaluated: 2023-09-12. Review status: criteria provided, single submitter. Criteria: ACMG Guidelines, 2015. Collection method: clinical testing. Allele origin: germline. Affected: yes.
Comment: PVS1, PM2

Literature cited by the submitters: PubMed 14715863 (cited by Labcorp Genetics (formerly Invitae), Labcorp); PubMed 15562009 (cited by Labcorp Genetics (formerly Invitae), Labcorp); PubMed 23275527 (cited by Labcorp Genetics (formerly Invitae), Labcorp); PubMed 23345197 (cited by Labcorp Genetics (formerly Invitae), Labcorp).

NM_000525.4(KCNJ11):c.160dup (p.Arg54fs)

Gene: KCNJ11 (potassium inwardly rectifying channel subfamily J member 11; minus strand). Cytogenetic location: 11p15.1.
Variant type: Duplication.
Coding change: c.160dup on transcript NM_000525.4 (MANE Select); coding-DNA position 160, one base duplicated (C; older notation c.160dupC).
Protein change: p.Arg54fs; shifts the reading frame from arginine 54.
Molecular consequence: frameshift variant. On other transcripts: intron variant (3).
Genome position (GRCh38, 1-based): chr11:17,387,932, G duplicated on the plus strand (C on the coding strand, the reverse complement: KCNJ11 is on the minus strand); the first of 2 consecutive G bases (chr11:17,387,932-17,387,933); duplicating either gives the same sequence. VCF-style (leftmost placement, unchanged base first): chr11-17387931-C-CG. GRCh37 (hg19) VCF-style: chr11-17409478-C-CG.
Other names: c.-16-86dup (NM_001166290.2, NM_001377297.1); c.-17+86dup (NM_001377296.1); short protein forms R54fs.
Identifiers: ClinVar variation 2626936 (VCV002626936.3), dbSNP rs2496411976, ClinGen allele CA2582341666.